The following is an entry in ClinVar:

NM_000135.4(FANCA):c.4229G>A (p.Cys1410Tyr)

Genes: FANCA (FA complementation group A; minus strand), ZNF276 (zinc finger protein 276; plus strand). Cytogenetic location: 16q24.3.
Variant type: single nucleotide variant.
Coding change: c.4229G>A on transcript NM_000135.4 (MANE Select); coding-DNA position 4229, G replaced by A.
Protein change: p.Cys1410Tyr; replaces cysteine 1410 with tyrosine.
Molecular consequence: missense variant. On other transcripts: synonymous variant (1), 3 prime UTR variant (2), non-coding transcript variant (4).
Genome position (GRCh38, 1-based): chr16:89,738,913, C>T on the plus strand (G>A on the coding strand, the complement: FANCA is on the minus strand). VCF-style: chr16-89738913-C-T. GRCh37 (hg19) VCF-style: chr16-89805321-C-T.
Other names: c.4233G>A, p.Val1411= (NM_001286167.3); c.*667C>T (NM_001113525.2, NM_152287.4); short protein forms C1410Y.
Identifiers: ClinVar variation 4254282 (VCV004254282.1).
Genomic context (GRCh38, chr16:89,738,913, plus strand): 5'-ATGGCCCAAGGTGGGCATCTTGACGTTACCTCTGCCACGTGTGAGAAGCTCTTTTTCGGG[C>T]ACCGAGGTATTAACTGCAGCAGAAAAAGACGAGCTTTTGTTATCAGTTCCACGGGGTTGC-3'
Protein context (NP_000126.2, residues 1400-1420): RLFLLQLIPR[Cys1410Tyr]PKKSFSHVAE

ClinVar aggregate classification (germline): Uncertain significance (1 of 4 stars; one submission).

Conditions:
Inborn genetic diseases. Identifiers: MedGen C0950123, MeSH D030342.

gnomAD v4.1: 4 of 1,614,140 alleles (0.00025%); highest among the groups gnomAD compares: African/African-American, 0.0027%; no homozygotes.

Submission:

Ambry Genetics
Classification: Uncertain significance for Inborn genetic diseases. Last evaluated: 2025-08-11. Review status: criteria provided, single submitter. Criteria: Ambry Variant Classification Scheme 2023. Collection method: clinical testing. Allele origin: germline.
Comment: The p.C1410Y variant (also known as c.4229G>A), located in coding exon 42 of the FANCA gene, results from a G to A substitution at nucleotide position 4229. The cysteine at codon 1410 is replaced by tyrosine, an amino acid with highly dissimilar properties. This amino acid position is conserved. In addition, this alteration is predicted to be deleterious by in silico analysis. Based on the available evidence, the clinical significance of this variant remains unclear.